The following is an entry in ClinVar:

ClinVar aggregate classification (germline): Benign (1 of 4 stars; one submission).

Conditions:
Lymphoproliferative syndrome 1 (LPFS1). Identifiers: Orphanet 238505, Orphanet 538963, MedGen C3552634, MONDO:0013081, OMIM 613011.

Allele frequency attached by ClinVar (database versions not stated): 1000 Genomes Project 0.13438; 1000 Genomes Project 30x 0.13866; TOPMed 0.15002.
gnomAD v4.1: 30,032 of 228,052 alleles (13%); highest among the groups gnomAD compares: African/African-American, 18%; 2,154 homozygotes.

Submission:

Illumina Laboratory Services, Illumina
Classification: Benign for Lymphoproliferative syndrome 1. Last evaluated: 2018-01-13. Review status: criteria provided, single submitter. Criteria: ICSL Variant Classification Criteria 13 December 2019. Collection method: clinical testing. Allele origin: germline.
Comment: This variant was observed in the ICSL laboratory as part of a predisposition screen in an ostensibly healthy population. It had not been previously curated by ICSL or reported in the Human Gene Mutation Database (HGMD: prior to June 1st, 2018), and was therefore a candidate for classification through an automated scoring system. Utilizing variant allele frequency, disease prevalence and penetrance estimates, and inheritance mode, an automated score was calculated to assess if this variant is too frequent to cause the disease. Based on the score and internal cut-off values, a variant classified as benign is not then subjected to further curation. The score for this variant resulted in a classification of benign for this disease.

NM_005546.4(ITK):c.*941C>A

Gene: ITK (IL2 inducible T cell kinase; plus strand). Cytogenetic location: 5q33.3.
Variant type: single nucleotide variant.
Coding change: c.*941C>A on transcript NM_005546.4 (MANE Select); 941 bases downstream of the stop codon, C replaced by A.
Molecular consequence: 3 prime UTR variant.
Genome position (GRCh38, 1-based): chr5:157,253,619, C>A. VCF-style: chr5-157253619-C-A. GRCh37 (hg19) VCF-style: chr5-156680629-C-A.
Identifiers: ClinVar variation 352486 (VCV000352486.5), dbSNP rs3892245, ClinGen allele CA10623752.